The following is an entry in ClinVar:

NM_198253.3(TERT):c.3267C>T (p.Tyr1089=)

Gene: TERT (telomerase reverse transcriptase; minus strand). Cytogenetic location: 5p15.33.
Variant type: single nucleotide variant.
Coding change: c.3267C>T on transcript NM_198253.3 (MANE Select); coding-DNA position 3267, C replaced by T.
Protein change: p.Tyr1089=; no amino-acid change (tyrosine 1089 retained).
Molecular consequence: synonymous variant. On other transcripts: non-coding transcript variant (2).
Genome position (GRCh38, 1-based): chr5:1,254,396, G>A on the plus strand (C>T on the coding strand, the complement: TERT is on the minus strand). VCF-style: chr5-1254396-G-A. GRCh37 (hg19) VCF-style: chr5-1254511-G-A.
Other names: c.3078C>T, p.Tyr1026= (NM_001193376.3).
Identifiers: ClinVar variation 701359 (VCV000701359.37), dbSNP rs759883263, ClinGen allele CA3184240.
Genomic context (GRCh38, chr5:1,254,396, plus strand): 5'-TGGGGCCCGCACTGGCCTCCACCCACACTTGCCTGTCCTGAGTGACCCCAGGAGTGGCAC[G>A]TAGGTGACACGGTGTCGAGTCAGCTTGAGCAGGAATGCTTGGTGGCACAGCCACTGCACG-3'
Protein context (NP_937983.2, residues 1079-1099): LLKLTRHRVT[Tyr1089=]VPLLGSLRTA

ClinVar aggregate classification (germline): Conflicting classifications of pathogenicity. Review status: criteria provided, conflicting classifications (1 of 4 stars). 6 submissions from 6 submitters: Uncertain significance (2); Likely benign (3). 1 of the submissions does not count toward it. Last evaluated 2025-12-05.

Conditions:
TERT-related disorder. Also called: TERT-related condition; TERT-related disorders.
Idiopathic Pulmonary Fibrosis. Also called: Idiopathic fibrosing alveolitis, chronic form; idiopathic fibrosing alveolitis. Identifiers: Orphanet 2032, MedGen C1800706, MeSH D054990, MONDO:0800504.
Dyskeratosis congenita, autosomal dominant 2. Identifiers: MedGen C3151443, MONDO:0013521, OMIM 613989.
Dyskeratosis congenita. Identifiers: Orphanet 1775, MedGen C0265965, MONDO:0015780.

Allele frequency attached by ClinVar (database versions not stated): ExAC 0.00003; gnomAD exomes 0.00003; TOPMed 0.00003.
gnomAD v4.1: 43 of 1,613,252 alleles (0.0027%); highest among the groups gnomAD compares: Middle Eastern, 0.016%; no homozygotes.

Submissions (6):

Labcorp Genetics (formerly Invitae), Labcorp
Classification: Likely benign for Dyskeratosis congenita, autosomal dominant 2; Idiopathic Pulmonary Fibrosis. Last evaluated: 2025-12-05. Review status: criteria provided, single submitter. Criteria: Invitae Variant Classification Sherloc (09022015). Collection method: clinical testing. Allele origin: germline.

CeGaT Center for Human Genetics Tuebingen
Classification: Likely benign. Last evaluated: 2024-05-01. Review status: criteria provided, single submitter. Criteria: CeGaT Center For Human Genetics Tuebingen Variant Classification Criteria Version 2. Collection method: clinical testing. Allele origin: germline. Affected: yes. Observed: 1 variant allele.
Comment: TERT: BP4, BP7

Ambry Genetics
Classification: Likely benign for Dyskeratosis congenita. Last evaluated: 2022-02-22. Review status: criteria provided, single submitter. Criteria: Ambry Variant Classification Scheme 2023. Collection method: clinical testing. Allele origin: germline.

Sema4
Classification: Uncertain significance for Dyskeratosis congenita. Last evaluated: 2021-07-07. Review status: criteria provided, single submitter. Criteria: Sema4 Curation Guidelines. Collection method: curation. Allele origin: germline.
Comment: The TERT c.3267C>T (p.Y1089=) variant has not been reported in the literature to our knowledge. It was observed in 2/34504 chromosomes of the Latino subpopulation in the large and broad cohorts of the Genome Aggregation Database (PMID: 32461654). The variant has been reported in ClinVar (Variation ID 701359). The evidence is insufficient to meet ACMG/AMP criteria for classifying the variant as benign or pathogenic. Thus, the clinical significance of this variant is currently uncertain.

Genetic Services Laboratory, University of Chicago
Classification: Uncertain significance. Last evaluated: 2018-04-18. Review status: criteria provided, single submitter. Criteria: ACMG Guidelines, 2015. Collection method: clinical testing. Allele origin: germline. Affected: no.

PreventionGenetics, part of Exact Sciences
Classification: Likely benign for TERT-related condition. Last evaluated: 2021-12-30. Review status: no assertion criteria provided. Collection method: clinical testing. Allele origin: germline. Not counted in ClinVar's aggregate classification.
Comment: This variant is classified as likely benign based on ACMG/AMP sequence variant interpretation guidelines (Richards et al. 2015 PMID: 25741868, with internal and published modifications).